The following is an entry in ClinVar:

ClinVar aggregate classification (germline): Uncertain significance (1 of 4 stars; one submission).

Conditions:
Inborn genetic diseases. Identifiers: MedGen C0950123, MeSH D030342.

Submission:

Ambry Genetics
Classification: Uncertain significance for Inborn genetic diseases. Last evaluated: 2022-03-12. Review status: criteria provided, single submitter. Criteria: Ambry Variant Classification Scheme 2023. Collection method: clinical testing. Allele origin: germline.
Comment: The p.T150I variant (also known as c.449C>T), located in coding exon 6 of the ERCC2 gene, results from a C to T substitution at nucleotide position 449. The threonine at codon 150 is replaced by isoleucine, an amino acid with similar properties. This amino acid position is conserved. In addition, the in silico prediction for this alteration is inconclusive. Since supporting evidence is limited at this time, the clinical significance of this alteration remains unclear.

NM_000400.4(ERCC2):c.449C>T (p.Thr150Ile)

Gene: ERCC2 (ERCC excision repair 2, TFIIH core complex helicase subunit; minus strand). Cytogenetic location: 19q13.32.
Variant type: single nucleotide variant.
Coding change: c.449C>T on transcript NM_000400.4 (MANE Select); coding-DNA position 449, C replaced by T.
Protein change: p.Thr150Ile; replaces threonine 150 with isoleucine.
Molecular consequence: missense variant.
Genome position (GRCh38, 1-based): chr19:45,365,070, G>A on the plus strand (C>T on the coding strand, the complement: ERCC2 is on the minus strand). VCF-style: chr19-45365070-G-A. GRCh37 (hg19) VCF-style: chr19-45868328-G-A.
Other names: c.377C>T, p.Thr126Ile (NM_001130867.2); short protein forms T126I, T150I.
Identifiers: ClinVar variation 1741015 (VCV001741015.2), dbSNP rs2123295924, ClinGen allele CA406375896.
Genomic context (GRCh38, chr19:45,365,070, plus strand): 5'-GCCTCCCTCCCTCAGCCCTGCCCTCCAGTAACCTCATAGAATCGGCAGTGGGGCAGGCTG[G>A]TGTCATGCTGGTACTGCGCCCGCACATAGGAGGCTGTGAGGCTGTGGCATTTCCCATCGA-3'
Protein context (NP_000391.1, residues 140-160): SYVRAQYQHD[Thr150Ile]SLPHCRFYEE